The following is an entry in ClinVar:

ClinVar aggregate classification (germline): Conflicting classifications of pathogenicity. Review status: criteria provided, conflicting classifications (1 of 4 stars). 3 submissions from 3 submitters: Uncertain significance (1); Benign (1); Likely benign (1). Last evaluated 2025-03-29.

Conditions:
Ehlers-Danlos syndrome, classic type, 1 (EDSCL1). Also called: Ehlers-Danlos Syndrome, Classic Type, COL5A1-Related; EHLERS-DANLOS SYNDROME, GRAVIS TYPE; EHLERS-DANLOS SYNDROME, SEVERE CLASSIC TYPE; Ehlers-Danlos syndrome, type 1; EDS I. Identifiers: MedGen C0268335, MONDO:0019567, OMIM 130000.
Familial thoracic aortic aneurysm and aortic dissection (TAAD). Also called: Thoracic aortic aneurysms and dissections. Identifiers: Orphanet 91387, MedGen C4707243, MONDO:0019625.

Allele frequency attached by ClinVar (database versions not stated): gnomAD 0.00007 and 0.00006; ESP Exome Variant Server 0.00008; gnomAD exomes 0.00001; ExAC 0.00002; TOPMed 0.00006.
gnomAD v4.1: 17 of 1,613,666 alleles (0.0011%); highest among the groups gnomAD compares: African/African-American, 0.021%; no homozygotes.

Submissions (3):

Labcorp Genetics (formerly Invitae), Labcorp
Classification: Benign for Ehlers-Danlos syndrome, classic type, 1. Last evaluated: 2025-03-29. Review status: criteria provided, single submitter. Criteria: Invitae Variant Classification Sherloc (09022015). Collection method: clinical testing. Allele origin: germline.

Ambry Genetics
Classification: Uncertain significance for Familial thoracic aortic aneurysm and aortic dissection. Last evaluated: 2017-04-28. Review status: criteria provided, single submitter. Criteria: Ambry Variant Classification Scheme 2023. Collection method: clinical testing. Allele origin: germline.
Comment: The p.P312A variant (also known as c.934C>G), located in coding exon 7 of the COL5A1 gene, results from a C to G substitution at nucleotide position 934. The proline at codon 312 is replaced by alanine, an amino acid with highly similar properties. This amino acid position is poorly conserved in available vertebrate species. In addition, this alteration is predicted to be tolerated by in silico analysis. Since supporting evidence is limited at this time, the clinical significance of this alteration remains unclear.

GeneDx
Classification: Likely benign. Last evaluated: 2013-02-28. Review status: criteria provided, single submitter. Criteria: GeneDx Variant Classification (06012015). Collection method: clinical testing. Allele origin: germline. Affected: yes.
Comment: This variant is considered likely benign or benign based on one or more of the following criteria: it is a conservative change, it occurs at a poorly conserved position in the protein, it is predicted to be benign by multiple in silico algorithms, and/or has population frequency not consistent with disease.

NM_000093.5(COL5A1):c.934C>G (p.Pro312Ala)

Gene: COL5A1 (collagen type V alpha 1 chain; plus strand). Cytogenetic location: 9q34.3.
Variant type: single nucleotide variant.
Coding change: c.934C>G on transcript NM_000093.5 (MANE Select); coding-DNA position 934, C replaced by G.
Protein change: p.Pro312Ala; replaces proline 312 with alanine.
Molecular consequence: missense variant.
Genome position (GRCh38, 1-based): chr9:134,730,245, C>G. VCF-style: chr9-134730245-C-G. GRCh37 (hg19) VCF-style: chr9-137622091-C-G.
Other names: p.P312A:CCG>GCG; c.934C>G, p.Pro312Ala (NM_001278074.1); short protein forms P312A.
Identifiers: ClinVar variation 212923 (VCV000212923.16), dbSNP rs140105243, ClinGen allele CA325076.